The following is an entry in ClinVar:

ClinVar aggregate classification (germline): Uncertain significance (1 of 4 stars; one submission).

Conditions:
Renal cell carcinoma. Identifiers: Orphanet 217071, MedGen C0007134, MeSH D002292, MONDO:0005086, HP:0005584.

Allele frequency attached by ClinVar (database versions not stated): gnomAD exomes below 0.00001.
gnomAD v4.1: 1 of 1,613,914 alleles (0.000062%); highest among the groups gnomAD compares: Non-Finnish European, 0.000085%; no homozygotes.

Submission:

Labcorp Genetics (formerly Invitae), Labcorp
Classification: Uncertain significance for Renal cell carcinoma. Last evaluated: 2020-11-21. Review status: criteria provided, single submitter. Criteria: Invitae Variant Classification Sherloc (09022015). Collection method: clinical testing. Allele origin: germline.
Comment: This sequence change replaces alanine with serine at codon 29 of the MET protein (p.Ala29Ser). The alanine residue is moderately conserved and there is a moderate physicochemical difference between alanine and serine. This variant is not present in population databases (ExAC no frequency). This variant has not been reported in the literature in individuals with MET-related conditions. Algorithms developed to predict the effect of missense changes on protein structure and function are either unavailable or do not agree on the potential impact of this missense change (SIFT: "Tolerated"; PolyPhen-2: "Probably Damaging"; Align-GVGD: "Class C0"). In summary, the available evidence is currently insufficient to determine the role of this variant in disease. Therefore, it has been classified as a Variant of Uncertain Significance.

NM_000245.4(MET):c.85G>T (p.Ala29Ser)

Gene: MET (MET proto-oncogene, receptor tyrosine kinase; plus strand). Cytogenetic location: 7q31.2.
Variant type: single nucleotide variant.
Coding change: c.85G>T on transcript NM_000245.4 (MANE Select); coding-DNA position 85, G replaced by T.
Protein change: p.Ala29Ser; replaces alanine 29 with serine.
Molecular consequence: missense variant. On other transcripts: intron variant (1).
Genome position (GRCh38, 1-based): chr7:116,699,169, G>T. VCF-style: chr7-116699169-G-T. GRCh37 (hg19) VCF-style: chr7-116339223-G-T.
Other names: c.85G>T, p.Ala29Ser (NM_001127500.3, NM_001324401.3); c.-91+26592G>T (NM_001324402.2); short protein forms A29S.
Identifiers: ClinVar variation 1364179 (VCV001364179.8), dbSNP rs765246117, ClinGen allele CA368968310.